The following is an entry in ClinVar:

NM_030787.4(CFHR5):c.*3C>G

Gene: CFHR5 (complement factor H related 5; plus strand). Cytogenetic location: 1q31.3.
Variant type: single nucleotide variant.
Coding change: c.*3C>G on transcript NM_030787.4 (MANE Select); 3 bases downstream of the stop codon, C replaced by G.
Molecular consequence: 3 prime UTR variant.
Genome position (GRCh38, 1-based): chr1:197,008,686, C>G. VCF-style: chr1-197008686-C-G. GRCh37 (hg19) VCF-style: chr1-196977816-C-G.
Identifiers: ClinVar variation 4848013 (VCV004848013.1).

ClinVar aggregate classification (germline): Benign (1 of 4 stars; one submission).

gnomAD v4.1: 48 of 1,608,130 alleles (0.003%); highest among the groups gnomAD compares: South Asian, 0.044%; 1 homozygote.

Submission:

Women's Health and Genetics/Laboratory Corporation of America, LabCorp
Classification: Benign. Last evaluated: 2026-02-06. Review status: criteria provided, single submitter. Criteria: LabCorp Variant Classification Summary - May 2015. Collection method: clinical testing. Allele origin: germline.
Comment: Variant summary: CFHR5 c.*3C>G is located in the untranslated mRNA region downstream of the termination codon. The variant allele was found at a frequency of 5.6e-05 in 251240 control chromosomes. The observed variant frequency exceeds the estimated maximal expected allele frequency for disease-causing variants in CFHR5. c.*3C>G has been observed in an individual affected with sporadic IgA nephropathy, without strong evidence for causality (Zhai_2016). This report does not provide unequivocal conclusions about association of the variant with CFHR5 deficiency. To our knowledge, no experimental evidence demonstrating an impact on protein function has been reported. The following publication has been ascertained in the context of this evaluation (PMID: 26825529). No submitters have cited clinical-significance assessments for this variant to ClinVar. Based on the evidence outlined above, the variant was classified as benign.

Literature cited by the submitters: PubMed 26825529.